The following is an entry in ClinVar:

NM_005751.5(AKAP9):c.4603C>T (p.Pro1535Ser)

Gene: AKAP9 (A-kinase anchoring protein 9; plus strand). Cytogenetic location: 7q21.2.
Variant type: single nucleotide variant.
Coding change: c.4603C>T on transcript NM_005751.5 (MANE Select); coding-DNA position 4603, C replaced by T.
Protein change: p.Pro1535Ser; replaces proline 1535 with serine.
Molecular consequence: missense variant.
Genome position (GRCh38, 1-based): chr7:92,038,683, C>T. VCF-style: chr7-92038683-C-T. GRCh37 (hg19) VCF-style: chr7-91667997-C-T.
Other names: c.4603C>T, p.Pro1535Ser (NM_147185.3); short protein forms P1535S.
Identifiers: ClinVar variation 2449750 (VCV002449750.2), dbSNP rs2484808439, ClinGen allele CA368129142.

ClinVar aggregate classification (germline): Uncertain significance (1 of 4 stars; one submission).

Conditions:
Cardiovascular phenotype. Identifiers: MedGen CN230736.

Submission:

Ambry Genetics
Classification: Uncertain significance for Cardiovascular phenotype. Last evaluated: 2022-12-18. Review status: criteria provided, single submitter. Criteria: Ambry Variant Classification Scheme 2023. Collection method: clinical testing. Allele origin: germline.
Comment: The p.P1535S variant (also known as c.4603C>T), located in coding exon 17 of the AKAP9 gene, results from a C to T substitution at nucleotide position 4603. The proline at codon 1535 is replaced by serine, an amino acid with similar properties. This amino acid position is conserved. In addition, this alteration is predicted to be tolerated by in silico analysis. Since supporting evidence is limited at this time, the clinical significance of this alteration remains unclear.